The following is an entry in ClinVar:

NM_000051.4(ATM):c.719T>C (p.Leu240Pro)

Gene: ATM (ATM serine/threonine kinase; plus strand). Cytogenetic location: 11q22.3.
Variant type: single nucleotide variant.
Coding change: c.719T>C on transcript NM_000051.4 (MANE Select); coding-DNA position 719, T replaced by C.
Protein change: p.Leu240Pro; replaces leucine 240 with proline.
Molecular consequence: missense variant.
Genome position (GRCh38, 1-based): chr11:108,244,844, T>C. VCF-style: chr11-108244844-T-C. GRCh37 (hg19) VCF-style: chr11-108115571-T-C.
Other names: c.719T>C, p.Leu240Pro (NM_001351834.2); short protein forms L240P.
Identifiers: ClinVar variation 4747163 (VCV004747163.1).
Genomic context (GRCh38, chr11:108,244,844, plus strand): 5'-ACAGACAAGAAAAGAGCTCTTCAGGTCTAAATCATATCTTAGCAGCTCTTACTATCTTCC[T>C]CAAGACTTTGGCTGTCAACTTTCGAATTCGAGTGTGTGAATTAGGAGATGAAATTCTTCC-3'
Protein context (NP_000042.3, residues 230-250): NHILAALTIF[Leu240Pro]KTLAVNFRIR

ClinVar aggregate classification (germline): Uncertain significance (1 of 4 stars; one submission).

Conditions:
Ataxia-telangiectasia syndrome (AT). Also called: Ataxia-telangiectasia, complementation group D; AT, COMPLEMENTATION GROUP C; Ataxia-telangiectasia; Ataxia telangiectasia (A-T); LOUIS-BAR SYNDROME; Cerebello-oculocutaneous telangiectasia. Identifiers: Orphanet 100, MedGen C0004135, MONDO:0008840, OMIM 208900.

Submission:

Labcorp Genetics (formerly Invitae), Labcorp
Classification: Uncertain significance for Ataxia-telangiectasia syndrome. Last evaluated: 2025-04-08. Review status: criteria provided, single submitter. Criteria: Invitae Variant Classification Sherloc (09022015). Collection method: clinical testing. Allele origin: germline.
Comment: This sequence change replaces leucine, which is neutral and non-polar, with proline, which is neutral and non-polar, at codon 240 of the ATM protein (p.Leu240Pro). This variant is not present in population databases (gnomAD no frequency). This variant has not been reported in the literature in individuals affected with ATM-related conditions. Invitae Evidence Modeling of protein sequence and biophysical properties (such as structural, functional, and spatial information, amino acid conservation, physicochemical variation, residue mobility, and thermodynamic stability) indicates that this missense variant is not expected to disrupt ATM protein function with a negative predictive value of 95%. In summary, the available evidence is currently insufficient to determine the role of this variant in disease. Therefore, it has been classified as a Variant of Uncertain Significance.